The following is an entry in ClinVar:

ClinVar aggregate classification (germline): Uncertain significance (1 of 4 stars; one submission).

Conditions:
PLXNB1-related disorder. Also called: PLXNB1-related condition.

Allele frequency attached by ClinVar (database versions not stated): gnomAD exomes below 0.00001.
gnomAD v4.1: 1 of 1,612,888 alleles (0.000062%); highest among the groups gnomAD compares: Non-Finnish European, 0.000085%; no homozygotes.

Submission:

PreventionGenetics, part of Exact Sciences
Classification: Uncertain significance for PLXNB1-related condition. Last evaluated: 2023-05-11. Review status: criteria provided, single submitter. Criteria: ACMG Guidelines, 2015. Collection method: clinical testing. Allele origin: germline.
Comment: The PLXNB1 c.776A>C variant is predicted to result in the amino acid substitution p.Tyr259Ser. To our knowledge, this variant has not been reported in the literature or in a large population database, indicating this variant is rare. At this time, the clinical significance of this variant is uncertain due to the absence of conclusive functional and genetic evidence.

NM_001130082.3(PLXNB1):c.776A>C (p.Tyr259Ser)

Gene: PLXNB1 (plexin B1; minus strand). Cytogenetic location: 3p21.31.
Variant type: single nucleotide variant.
Coding change: c.776A>C on transcript NM_001130082.3 (MANE Select); coding-DNA position 776, A replaced by C.
Protein change: p.Tyr259Ser; replaces tyrosine 259 with serine.
Molecular consequence: missense variant.
Genome position (GRCh38, 1-based): chr3:48,423,836, T>G on the plus strand (A>C on the coding strand, the complement: PLXNB1 is on the minus strand). VCF-style: chr3-48423836-T-G. GRCh37 (hg19) VCF-style: chr3-48465245-T-G.
Other names: c.776A>C, p.Tyr259Ser (NM_002673.6); short protein forms Y259S.
Identifiers: ClinVar variation 2633022 (VCV002633022.1), dbSNP rs2529720342, ClinGen allele CA352663702.